The following is an entry in ClinVar:

ClinVar aggregate classification (germline): Uncertain significance (1 of 4 stars; one submission).

Allele frequency attached by ClinVar (database versions not stated): TOPMed below 0.00001; gnomAD exomes 0.00001; ExAC 0.00002.

Submission:

Labcorp Genetics (formerly Invitae), Labcorp
Classification: Uncertain significance. Last evaluated: 2022-09-06. Review status: criteria provided, single submitter. Criteria: Invitae Variant Classification Sherloc (09022015). Collection method: clinical testing. Allele origin: germline.
Comment: This sequence change creates a premature translational stop signal (p.Arg1015*) in the PLEKHM2 gene. While this is not anticipated to result in nonsense mediated decay, it is expected to disrupt the last 5 amino acid(s) of the PLEKHM2 protein. In summary, the available evidence is currently insufficient to determine the role of this variant in disease. Therefore, it has been classified as a Variant of Uncertain Significance. Experimental studies and prediction algorithms are not available or were not evaluated, and the functional significance of this variant is currently unknown. ClinVar contains an entry for this variant (Variation ID: 1346606). This variant has not been reported in the literature in individuals affected with PLEKHM2-related conditions. This variant is present in population databases (rs61738980, gnomAD 0.007%).

NM_015164.4(PLEKHM2):c.3043C>T (p.Arg1015Ter)

Gene: PLEKHM2 (pleckstrin homology and RUN domain containing M2; plus strand). Cytogenetic location: 1p36.21.
Variant type: single nucleotide variant.
Coding change: c.3043C>T on transcript NM_015164.4 (MANE Select); coding-DNA position 3043, C replaced by T.
Protein change: p.Arg1015Ter; replaces arginine 1015 with a stop codon.
Molecular consequence: nonsense.
Genome position (GRCh38, 1-based): chr1:15,733,917, C>T. VCF-style: chr1-15733917-C-T. GRCh37 (hg19) VCF-style: chr1-16060412-C-T.
Other names: short protein forms R1015*.
Identifiers: ClinVar variation 1346606 (VCV001346606.6), dbSNP rs61738980, ClinGen allele CA617442.